The following is an entry in ClinVar:

ClinVar aggregate classification (germline): Uncertain significance (1 of 4 stars; one submission).

Conditions:
Cardiovascular phenotype. Identifiers: MedGen CN230736.

Submission:

Ambry Genetics
Classification: Uncertain significance for Cardiovascular phenotype. Last evaluated: 2026-07-08. Review status: criteria provided, single submitter. Criteria: Ambry Variant Classification Scheme 2023. Collection method: clinical testing. Allele origin: germline.
Comment: The p.E64K variant (also known as c.190G>A), located in coding exon 5 of the TNNI3 gene, results from a G to A substitution at nucleotide position 190. The glutamic acid at codon 64 is replaced by lysine, an amino acid with similar properties. This amino acid position is highly conserved in available vertebrate species. In addition, this alteration is predicted to be deleterious by in silico analysis. Based on the available evidence, the clinical significance of this variant remains unclear.

NM_000363.5(TNNI3):c.190G>A (p.Glu64Lys)

Gene: TNNI3 (troponin I3, cardiac type; minus strand). Cytogenetic location: 19q13.42.
Variant type: single nucleotide variant.
Coding change: c.190G>A on transcript NM_000363.5 (MANE Select); coding-DNA position 190, G replaced by A.
Protein change: p.Glu64Lys; replaces glutamic acid 64 with lysine.
Molecular consequence: missense variant.
Genome position (GRCh38, 1-based): chr19:55,156,293, C>T on the plus strand (G>A on the coding strand, the complement: TNNI3 is on the minus strand). VCF-style: chr19-55156293-C-T. GRCh37 (hg19) VCF-style: chr19-55667661-C-T.
Other names: short protein forms E64K.
Identifiers: ClinVar variation 5030975 (VCV005030975.1).